The following is an entry in ClinVar:

ClinVar aggregate classification (germline): Uncertain significance. Review status: criteria provided, multiple submitters, no conflicts (2 of 4 stars). 2 submissions from 2 submitters: Uncertain significance (2). Last evaluated 2026-02-13.

Conditions:
POLD1-related polyposis and colorectal cancer syndrome (CRCS10). Also called: Colorectal cancer 10; COLORECTAL CANCER, SUSCEPTIBILITY TO, ON CHROMOSOME 19q; Colorectal cancer, susceptibility to, 10. Identifiers: Orphanet 220460, MedGen C2675481, MONDO:0012953, OMIM 612591.
Hereditary cancer-predisposing syndrome. Also called: Tumor predisposition; Neoplastic Syndromes, Hereditary; Hereditary Cancer Syndrome; Hereditary neoplastic syndrome. Identifiers: Orphanet 140162, MedGen C0027672, MeSH D009386, MONDO:0015356.

Allele frequency attached by ClinVar (database versions not stated): gnomAD exomes below 0.00001.
gnomAD v4.1: 1 of 1,614,008 alleles (0.000062%); highest among the groups gnomAD compares: Non-Finnish European, 0.000085%; no homozygotes.

Submissions (2):

Ambry Genetics
Classification: Uncertain significance for Hereditary cancer-predisposing syndrome. Last evaluated: 2026-02-13. Review status: criteria provided, single submitter. Criteria: Ambry Variant Classification Scheme 2023. Collection method: clinical testing. Allele origin: germline.
Comment: The p.Y147N variant (also known as c.439T>A), located in coding exon 3 of the POLD1 gene, results from a T to A substitution at nucleotide position 439. The tyrosine at codon 147 is replaced by asparagine, an amino acid with dissimilar properties. This amino acid position is well conserved in available vertebrate species. In addition, the in silico prediction for this alteration is inconclusive. Based on the available evidence, the clinical significance of this variant remains unclear.

Labcorp Genetics (formerly Invitae), Labcorp
Classification: Uncertain significance for POLD1-related polyposis and colorectal cancer syndrome. Last evaluated: 2025-11-10. Review status: criteria provided, single submitter. Criteria: Invitae Variant Classification Sherloc (09022015). Collection method: clinical testing. Allele origin: germline.
Comment: This sequence change replaces tyrosine, which is neutral and polar, with asparagine, which is neutral and polar, at codon 147 of the POLD1 protein (p.Tyr147Asn). This variant is present in population databases (no rsID available, gnomAD 0.0009%). This variant has not been reported in the literature in individuals affected with POLD1-related conditions. ClinVar contains an entry for this variant (Variation ID: 2064563). Invitae Evidence Modeling of protein sequence and biophysical properties (such as structural, functional, and spatial information, amino acid conservation, physicochemical variation, residue mobility, and thermodynamic stability) indicates that this missense variant is expected to disrupt POLD1 protein function with a positive predictive value of 80%. In summary, the available evidence is currently insufficient to determine the role of this variant in disease. Therefore, it has been classified as a Variant of Uncertain Significance.

NM_002691.4(POLD1):c.439T>A (p.Tyr147Asn)

Gene: POLD1 (DNA polymerase delta 1, catalytic subunit; plus strand). Cytogenetic location: 19q13.33.
Variant type: single nucleotide variant.
Coding change: c.439T>A on transcript NM_002691.4 (MANE Select); coding-DNA position 439, T replaced by A.
Protein change: p.Tyr147Asn; replaces tyrosine 147 with asparagine.
Molecular consequence: missense variant. On other transcripts: non-coding transcript variant (1).
Genome position (GRCh38, 1-based): chr19:50,401,900, T>A. VCF-style: chr19-50401900-T-A. GRCh37 (hg19) VCF-style: chr19-50905157-T-A.
Other names: c.439T>A (NM_002691.2); c.439T>A, p.Tyr147Asn (NM_001256849.1, NM_001308632.1); short protein forms Y147N.
Identifiers: ClinVar variation 2064563 (VCV002064563.5), dbSNP rs1326137249, ClinGen allele CA406972681.
Genomic context (GRCh38, chr19:50,401,900, plus strand): 5'-GCCTTCGGGGTCACCGATGAGGGGTTCTCTGTCTGCTGCCACATCCACGGCTTCGCTCCC[T>A]ACTTCTACACCCCAGCGCCCCCTGGTGAGTGGCCCCTACCCAGCCCCTCCCTGAGCCACT-3'
Protein context (NP_002682.2, residues 137-157): VCCHIHGFAP[Tyr147Asn]FYTPAPPGFG